The following is an entry in ClinVar:

NM_014629.4(ARHGEF10):c.3956A>G (p.His1319Arg)

Gene: ARHGEF10 (Rho guanine nucleotide exchange factor 10; plus strand). Cytogenetic location: 8p23.3.
Variant type: single nucleotide variant.
Coding change: c.3956A>G on transcript NM_014629.4 (MANE Select); coding-DNA position 3956, A replaced by G.
Protein change: p.His1319Arg; replaces histidine 1319 with arginine.
Molecular consequence: missense variant.
Genome position (GRCh38, 1-based): chr8:1,957,184, A>G. VCF-style: chr8-1957184-A-G. GRCh37 (hg19) VCF-style: chr8-1905350-A-G.
Other names: c.3842A>G, p.His1281Arg (NM_001308152.2); c.3956A>G, p.His1319Arg (NM_001308153.3); short protein forms H1281R, H1319R, H1343R.
Identifiers: ClinVar variation 3613091 (VCV003613091.2).

ClinVar aggregate classification (germline): Uncertain significance (1 of 4 stars; one submission).

gnomAD v4.1: 4 of 1,612,492 alleles (0.00025%); highest among the groups gnomAD compares: Non-Finnish European, 0.00034%; no homozygotes.

Submission:

Labcorp Genetics (formerly Invitae), Labcorp
Classification: Uncertain significance. Last evaluated: 2024-12-12. Review status: criteria provided, single submitter. Criteria: Invitae Variant Classification Sherloc (09022015). Collection method: clinical testing. Allele origin: germline.
Comment: This sequence change replaces histidine, which is basic and polar, with arginine, which is basic and polar, at codon 1319 of the ARHGEF10 protein (p.His1319Arg). This variant is present in population databases (no rsID available, gnomAD 0.0009%). This variant has not been reported in the literature in individuals affected with ARHGEF10-related conditions. An algorithm developed to predict the effect of missense changes on protein structure and function (PolyPhen-2) suggests that this variant is likely to be tolerated. In summary, the available evidence is currently insufficient to determine the role of this variant in disease. Therefore, it has been classified as a Variant of Uncertain Significance.